The following is an entry in ClinVar:

NM_198525.3(KIF7):c.1807G>A (p.Glu603Lys)

Gene: KIF7 (kinesin family member 7; minus strand). Cytogenetic location: 15q26.1.
Variant type: single nucleotide variant.
Coding change: c.1807G>A on transcript NM_198525.3 (MANE Select); coding-DNA position 1807, G replaced by A.
Protein change: p.Glu603Lys; replaces glutamic acid 603 with lysine.
Molecular consequence: missense variant.
Genome position (GRCh38, 1-based): chr15:89,646,008, C>T on the plus strand (G>A on the coding strand, the complement: KIF7 is on the minus strand). VCF-style: chr15-89646008-C-T. GRCh37 (hg19) VCF-style: chr15-90189239-C-T.
Other names: short protein forms E603K.
Identifiers: ClinVar variation 4070746 (VCV004070746.1).

ClinVar aggregate classification (germline): Uncertain significance (1 of 4 stars; one submission).

Submission:

GeneDx
Classification: Uncertain significance. Last evaluated: 2025-01-18. Review status: criteria provided, single submitter. Criteria: GeneDx Variant Classification Process June 2021. Collection method: clinical testing. Allele origin: germline. Affected: yes.
Comment: Not observed at significant frequency in large population cohorts (gnomAD); In silico analysis indicates that this missense variant does not alter protein structure/function; Has not been previously published as pathogenic or benign to our knowledge